The following is an entry in ClinVar:

NM_005732.4(RAD50):c.1593T>G (p.His531Gln)

Gene: RAD50 (RAD50 double strand break repair protein; plus strand). Cytogenetic location: 5q31.1.
Variant type: single nucleotide variant.
Coding change: c.1593T>G on transcript NM_005732.4 (MANE Select); coding-DNA position 1593, T replaced by G.
Protein change: p.His531Gln; replaces histidine 531 with glutamine.
Molecular consequence: missense variant.
Genome position (GRCh38, 1-based): chr5:132,591,364, T>G. VCF-style: chr5-132591364-T-G. GRCh37 (hg19) VCF-style: chr5-131927056-T-G.
Other names: short protein forms H531Q.
Identifiers: ClinVar variation 2864314 (VCV002864314.3), dbSNP rs2149842301, ClinGen allele CA360946058.

ClinVar aggregate classification (germline): Uncertain significance (1 of 4 stars; one submission).

Conditions:
Hereditary cancer-predisposing syndrome. Also called: Hereditary neoplastic syndrome; Tumor predisposition; Neoplastic Syndromes, Hereditary; Hereditary Cancer Syndrome. Identifiers: Orphanet 140162, MedGen C0027672, MeSH D009386, MONDO:0015356.

Submission:

Labcorp Genetics (formerly Invitae), Labcorp
Classification: Uncertain significance for Hereditary cancer-predisposing syndrome. Last evaluated: 2023-05-15. Review status: criteria provided, single submitter. Criteria: Invitae Variant Classification Sherloc (09022015). Collection method: clinical testing. Allele origin: germline.
Comment: In summary, the available evidence is currently insufficient to determine the role of this variant in disease. Therefore, it has been classified as a Variant of Uncertain Significance. Advanced modeling of protein sequence and biophysical properties (such as structural, functional, and spatial information, amino acid conservation, physicochemical variation, residue mobility, and thermodynamic stability) performed at Invitae indicates that this missense variant is not expected to disrupt RAD50 protein function. This variant has not been reported in the literature in individuals affected with RAD50-related conditions. This variant is not present in population databases (gnomAD no frequency). This sequence change replaces histidine, which is basic and polar, with glutamine, which is neutral and polar, at codon 531 of the RAD50 protein (p.His531Gln).